The following is an entry in ClinVar:

NM_001353921.2(ARHGEF9):c.1175A>G (p.Asn392Ser)

Gene: ARHGEF9 (Cdc42 guanine nucleotide exchange factor 9; minus strand). Cytogenetic location: Xq11.1.
Variant type: single nucleotide variant.
Coding change: c.1175A>G on transcript NM_001353921.2 (MANE Select); coding-DNA position 1175, A replaced by G.
Protein change: p.Asn392Ser; replaces asparagine 392 with serine.
Molecular consequence: missense variant. On other transcripts: intron variant (2).
Genome position (GRCh38, 1-based): chrX:63,655,640, T>C on the plus strand (A>G on the coding strand, the complement: ARHGEF9 is on the minus strand). VCF-style: chrX-63655640-T-C. GRCh37 (hg19) VCF-style: chrX-62875520-T-C.
Other names: c.995A>G, p.Asn332Ser (NM_001173479.2); c.848A>G, p.Asn283Ser (NM_001173480.2, NM_001369042.1); c.1091A>G, p.Asn364Ser (NM_001330495.2, NM_001369033.1, NM_001369034.1 and 4 more transcripts); c.1043A>G, p.Asn348Ser (NM_001353922.2); c.1193A>G, p.Asn398Ser (NM_001353923.1); c.974A>G, p.Asn325Ser (NM_001353924.2, NM_001353926.2, NM_001369039.1 and 1 more transcripts); c.959A>G, p.Asn320Ser (NM_001353927.2, NM_001369041.1); c.1022A>G, p.Asn341Ser (NM_001353928.2); and 3 more; short protein forms N385S, N283S, N392S, N320S, N325S, N332S, N341S, N348S.
Identifiers: ClinVar variation 452155 (VCV000452155.2), dbSNP rs1556334879, ClinGen allele CA413404591.

ClinVar aggregate classification (germline): Uncertain significance (1 of 4 stars; one submission).

Allele frequency attached by ClinVar (database versions not stated): gnomAD exomes below 0.00001 and 0.00001; gnomAD 0.00005.
gnomAD v4.1: 1 of 1,211,456 alleles (0.000083%); highest among the groups gnomAD compares: Admixed American, 0.0022%; no homozygotes.

Submission:

GeneDx
Classification: Uncertain significance. Last evaluated: 2017-09-26. Review status: criteria provided, single submitter. Criteria: GeneDx Variant Classification (06012015). Collection method: clinical testing. Allele origin: germline. Affected: yes.
Comment: The N385S variant has not been published as a pathogenic variant, nor has it been reported as a benign variant to our knowledge. The N385S variant is not observed at a significant frequency in large population cohorts (Lek et al., 2016). This variant is a conservative amino acid substitution, which is not likely to impact secondary protein structure as these residues share similar properties. However, this substitution occurs at a position that is conserved across species, and in silico analysis predicts this variant is probably damaging to the protein structure/function.